The following is an entry in ClinVar:

NM_000245.4(MET):c.3295G>A (p.Asp1099Asn)

Gene: MET (MET proto-oncogene, receptor tyrosine kinase; plus strand). Cytogenetic location: 7q31.2.
Variant type: single nucleotide variant.
Coding change: c.3295G>A on transcript NM_000245.4 (MANE Select); coding-DNA position 3295, G replaced by A.
Protein change: p.Asp1099Asn; replaces aspartic acid 1099 with asparagine.
Molecular consequence: missense variant.
Genome position (GRCh38, 1-based): chr7:116,777,424, G>A. VCF-style: chr7-116777424-G-A. GRCh37 (hg19) VCF-style: chr7-116417478-G-A.
Other names: c.3349G>A, p.Asp1117Asn (NM_001127500.3); c.2005G>A, p.Asp669Asn (NM_001324402.2); short protein forms D1117N, D1099N, D669N.
Identifiers: ClinVar variation 2912428 (VCV002912428.4), dbSNP rs1196168142, ClinGen allele CA368989649.
Genomic context (GRCh38, chr7:116,777,424, plus strand): 5'-TAACCAAGTTCTTTCTTTTGCACAGGGCATTTTGGTTGTGTATATCATGGGACTTTGTTG[G>A]ACAATGATGGCAAGAAAATTCACTGTGCTGTGAAATCCTTGAACAGTAAGTGGCATTTTA-3'
Protein context (NP_000236.2, residues 1089-1109): FGCVYHGTLL[Asp1099Asn]NDGKKIHCAV

ClinVar aggregate classification (germline): Uncertain significance. Review status: criteria provided, multiple submitters, no conflicts (2 of 4 stars). 2 submissions from 2 submitters: Uncertain significance (2). Last evaluated 2026-01-21.

Conditions:
Hereditary cancer-predisposing syndrome. Also called: Tumor predisposition; Neoplastic Syndromes, Hereditary; Hereditary Cancer Syndrome; Hereditary neoplastic syndrome. Identifiers: Orphanet 140162, MedGen C0027672, MeSH D009386, MONDO:0015356.
Renal cell carcinoma. Identifiers: Orphanet 217071, MedGen C0007134, MeSH D002292, MONDO:0005086, HP:0005584.

Allele frequency attached by ClinVar (database versions not stated): TOPMed below 0.00001; gnomAD 0.00001.
gnomAD v4.1: 1 of 1,613,726 alleles (0.000062%); highest among the groups gnomAD compares: African/African-American, 0.0013%; no homozygotes.

Submissions (2):

Ambry Genetics
Classification: Uncertain significance for Hereditary cancer-predisposing syndrome. Last evaluated: 2026-01-21. Review status: criteria provided, single submitter. Criteria: Ambry Variant Classification Scheme 2023. Collection method: clinical testing. Allele origin: germline.
Comment: The p.D1117N variant (also known as c.3349G>A), located in coding exon 15 of the MET gene, results from a G to A substitution at nucleotide position 3349. The aspartic acid at codon 1117 is replaced by asparagine, an amino acid with highly similar properties. This amino acid position is well conserved in available vertebrate species. In addition, this alteration is predicted to be tolerated by in silico analysis. Based on the available evidence, the clinical significance of this variant remains unclear.

Labcorp Genetics (formerly Invitae), Labcorp
Classification: Uncertain significance for Renal cell carcinoma. Last evaluated: 2022-12-14. Review status: criteria provided, single submitter. Criteria: Invitae Variant Classification Sherloc (09022015). Collection method: clinical testing. Allele origin: germline.
Comment: In summary, the available evidence is currently insufficient to determine the role of this variant in disease. Therefore, it has been classified as a Variant of Uncertain Significance. Advanced modeling of protein sequence and biophysical properties (such as structural, functional, and spatial information, amino acid conservation, physicochemical variation, residue mobility, and thermodynamic stability) performed at Invitae indicates that this missense variant is not expected to disrupt MET protein function. This variant has not been reported in the literature in individuals affected with MET-related conditions. This variant is not present in population databases (gnomAD no frequency). This sequence change replaces aspartic acid, which is acidic and polar, with asparagine, which is neutral and polar, at codon 1117 of the MET protein (p.Asp1117Asn).